The following is an entry in ClinVar:

ClinVar aggregate classification (germline): Likely benign (1 of 4 stars; one submission).

Allele frequency attached by ClinVar (database versions not stated): TOPMed 0.00001; gnomAD 0.00002; ExAC 0.00003.
gnomAD v4.1: 51 of 1,208,119 alleles (0.0042%); highest among the groups gnomAD compares: Non-Finnish European, 0.0056%; no homozygotes.

Submission:

CeGaT Center for Human Genetics Tuebingen
Classification: Likely benign. Last evaluated: 2022-08-01. Review status: criteria provided, single submitter. Criteria: CeGaT Center For Human Genetics Tuebingen Variant Classification Criteria Version 2. Collection method: clinical testing. Allele origin: germline. Affected: yes. Observed: 1 variant allele.
Comment: FRMD7: BP4

NM_194277.3(FRMD7):c.25T>C (p.Leu9=)

Gene: FRMD7 (FERM domain containing 7; minus strand). Cytogenetic location: Xq26.2.
Variant type: single nucleotide variant.
Coding change: c.25T>C on transcript NM_194277.3 (MANE Select); coding-DNA position 25, T replaced by C.
Protein change: p.Leu9=; no amino-acid change (leucine 9 retained).
Molecular consequence: synonymous variant.
Genome position (GRCh38, 1-based): chrX:132,127,820, A>G on the plus strand (T>C on the coding strand, the complement: FRMD7 is on the minus strand). VCF-style: chrX-132127820-A-G. GRCh37 (hg19) VCF-style: chrX-131261848-A-G.
Other names: c.25T>C, p.Leu9= (NM_001306193.2).
Identifiers: ClinVar variation 2661451 (VCV002661451.24), dbSNP rs775083603, ClinGen allele CA10519146.
Genomic context (GRCh38, chrX:132,127,820, plus strand): 5'-GAATAATAGCAATGTGATTTCCACTTACATCAACCACAAAAATCTTCTGGGAATCATCCA[A>G]AAACTGCACTTTTAAATGTAGCATTCTCAGCGAGGCCGTTGGGCTGCAAGCAGGCTCAGA-3'
Protein context (NP_919253.1, residues 1-19): MLHLKVQF[Leu9=]DDSQKIFVVD